The following is an entry in ClinVar:

NM_024529.5(CDC73):c.256G>A (p.Val86Ile)

Gene: CDC73 (cell division cycle 73; plus strand). Cytogenetic location: 1q31.2.
Variant type: single nucleotide variant.
Coding change: c.256G>A on transcript NM_024529.5 (MANE Select); coding-DNA position 256, G replaced by A.
Protein change: p.Val86Ile; replaces valine 86 with isoleucine.
Molecular consequence: missense variant.
Genome position (GRCh38, 1-based): chr1:193,130,192, G>A. VCF-style: chr1-193130192-G-A. GRCh37 (hg19) VCF-style: chr1-193099322-G-A.
Other names: short protein forms V86I.
Identifiers: ClinVar variation 1793224 (VCV001793224.2), dbSNP rs2103117822, ClinGen allele CA343973308.

ClinVar aggregate classification (germline): Uncertain significance (1 of 4 stars; one submission).

Conditions:
Hereditary cancer-predisposing syndrome. Also called: Tumor predisposition; Hereditary Cancer Syndrome; Neoplastic Syndromes, Hereditary; Hereditary neoplastic syndrome. Identifiers: Orphanet 140162, MedGen C0027672, MeSH D009386, MONDO:0015356.

Submission:

Ambry Genetics
Classification: Uncertain significance for Hereditary cancer-predisposing syndrome. Last evaluated: 2022-10-04. Review status: criteria provided, single submitter. Criteria: Ambry Variant Classification Scheme 2023. Collection method: clinical testing. Allele origin: germline.
Comment: The p.V86I variant (also known as c.256G>A), located in coding exon 3 of the CDC73 gene, results from a G to A substitution at nucleotide position 256. The valine at codon 86 is replaced by isoleucine, an amino acid with highly similar properties. This amino acid position is conserved. In addition, this alteration is predicted to be tolerated by in silico analysis. Since supporting evidence is limited at this time, the clinical significance of this alteration remains unclear.